The following is an entry in ClinVar:

NM_000044.6(AR):c.1788C>T (p.Cys596=)

Gene: AR (androgen receptor; plus strand). Cytogenetic location: Xq12.
Variant type: single nucleotide variant.
Coding change: c.1788C>T on transcript NM_000044.6 (MANE Select); coding-DNA position 1788, C replaced by T.
Protein change: p.Cys596=; no amino-acid change (cysteine 596 retained).
Molecular consequence: synonymous variant. On other transcripts: missense variant (1).
Genome position (GRCh38, 1-based): chrX:67,686,029, C>T. VCF-style: chrX-67686029-C-T. GRCh37 (hg19) VCF-style: chrX-66905871-C-T.
Other names: c.192C>T, p.Cys64= (NM_001011645.3); c.1788C>T, p.Cys596= (NM_001348061.1, NM_001348063.1); c.1705C>T, p.Arg569Cys (NM_001348064.1); short protein forms R569C.
Identifiers: ClinVar variation 1170227 (VCV001170227.14), dbSNP rs150303722, ClinGen allele CA10436520.

ClinVar aggregate classification (germline): Benign/Likely benign. Review status: criteria provided, multiple submitters, no conflicts (2 of 4 stars). 3 submissions from 3 submitters: Benign (2); Likely benign (1). Last evaluated 2026-01-19.

Conditions:
Kennedy disease (SMAX1). Also called: KENNEDY SPINAL AND BULBAR MUSCULAR ATROPHY; Spinal and Bulbar Muscular Atrophy; SPINAL AND BULBAR MUSCULAR ATROPHY, X-LINKED 1. Identifiers: Orphanet 481, MedGen C1839259, MONDO:0010735, OMIM 313200.
Androgen resistance syndrome (AIS). Also called: DHTR DEFICIENCY; DIHYDROTESTOSTERONE RECEPTOR DEFICIENCY; Androgen insensitivity syndrome; Androgen insensitivity syndrome due to coactivator deficiency; Androgen insensitivity, complete; ANDROGEN RECEPTOR DEFICIENCY. Identifiers: Orphanet 754, Orphanet 99429, MedGen C0039585, MONDO:0019154, OMIM 300068. Disease mechanism: loss of function.
AR-related disorder. Also called: AR-related condition.

Allele frequency attached by ClinVar (database versions not stated): gnomAD exomes 0.00181 and 0.00087; ExAC 0.00231; gnomAD 0.00334; TOPMed 0.00351; 1000 Genomes Project 0.00424; ESP Exome Variant Server 0.00435; 1000 Genomes Project 30x 0.00437.
gnomAD v4.1: 1,341 of 1,207,718 alleles (0.11%); highest among the groups gnomAD compares: African/African-American, 1.1%; 4 homozygotes.

Submissions (3):

Labcorp Genetics (formerly Invitae), Labcorp
Classification: Benign for Kennedy disease; Androgen resistance syndrome. Last evaluated: 2026-01-19. Review status: criteria provided, single submitter. Criteria: Invitae Variant Classification Sherloc (09022015). Collection method: clinical testing. Allele origin: germline.

PreventionGenetics, part of Exact Sciences
Classification: Likely benign for AR-related condition. Last evaluated: 2024-11-03. Review status: criteria provided, single submitter. Criteria: ACMG Guidelines, 2015. Collection method: clinical testing. Allele origin: germline.
Comment: This variant is classified as likely benign based on ACMG/AMP sequence variant interpretation guidelines (Richards et al. 2015 PMID: 25741868, with internal and published modifications).

GeneDx
Classification: Benign. Last evaluated: 2020-08-25. Review status: criteria provided, single submitter. Criteria: GeneDx Variant Classification Process June 2021. Collection method: clinical testing. Allele origin: germline. Affected: yes.
Comment: This variant is associated with the following publications: (PMID: 24367986)